The following is an entry in ClinVar:

ClinVar aggregate classification (germline): Uncertain significance. Review status: criteria provided, multiple submitters, no conflicts (2 of 4 stars). 3 submissions from 3 submitters: Uncertain significance (3). Last evaluated 2025-02-27.

Conditions:
Hereditary cancer-predisposing syndrome. Also called: Neoplastic Syndromes, Hereditary; Tumor predisposition; Hereditary neoplastic syndrome; Hereditary Cancer Syndrome. Identifiers: Orphanet 140162, MedGen C0027672, MeSH D009386, MONDO:0015356.

Allele frequency attached by ClinVar (database versions not stated): TOPMed below 0.00001; gnomAD exomes 0.00002.
gnomAD v4.1: 33 of 1,613,958 alleles (0.002%); highest among the groups gnomAD compares: Non-Finnish European, 0.0025%; no homozygotes.

Submissions (3):

Labcorp Genetics (formerly Invitae), Labcorp
Classification: Uncertain significance. Last evaluated: 2025-02-27. Review status: criteria provided, single submitter. Criteria: Invitae Variant Classification Sherloc (09022015). Collection method: clinical testing. Allele origin: germline.
Comment: This sequence change replaces alanine, which is neutral and non-polar, with threonine, which is neutral and polar, at codon 161 of the FH protein (p.Ala161Thr). This variant is not present in population databases (gnomAD no frequency). This variant has not been reported in the literature in individuals affected with FH-related conditions. ClinVar contains an entry for this variant (Variation ID: 825206). Invitae Evidence Modeling of protein sequence and biophysical properties (such as structural, functional, and spatial information, amino acid conservation, physicochemical variation, residue mobility, and thermodynamic stability) indicates that this missense variant is expected to disrupt FH protein function with a positive predictive value of 95%. In summary, the available evidence is currently insufficient to determine the role of this variant in disease. Therefore, it has been classified as a Variant of Uncertain Significance.

Ambry Genetics
Classification: Uncertain significance for Hereditary cancer-predisposing syndrome. Last evaluated: 2024-09-11. Review status: criteria provided, single submitter. Criteria: Ambry Variant Classification Scheme 2023. Collection method: clinical testing. Allele origin: germline.
Comment: The p.A161T variant (also known as c.481G>A), located in coding exon 4 of the FH gene, results from a G to A substitution at nucleotide position 481. The alanine at codon 161 is replaced by threonine, an amino acid with similar properties. This amino acid position is highly conserved in available vertebrate species. In addition, this alteration is predicted to be deleterious by in silico analysis. Since supporting evidence is limited at this time, the clinical significance of this alteration remains unclear.

GeneDx
Classification: Uncertain significance. Last evaluated: 2023-11-06. Review status: criteria provided, single submitter. Criteria: GeneDx Variant Classification Process June 2021. Collection method: clinical testing. Allele origin: germline. Affected: yes.
Comment: Not observed at significant frequency in large population cohorts (gnomAD); In silico analysis supports that this missense variant has a deleterious effect on protein structure/function; Has not been previously published as pathogenic or benign to our knowledge

NM_000143.4(FH):c.481G>A (p.Ala161Thr)

Gene: FH (fumarate hydratase; minus strand). Cytogenetic location: 1q43.
Variant type: single nucleotide variant.
Coding change: c.481G>A on transcript NM_000143.4 (MANE Select); coding-DNA position 481, G replaced by A.
Protein change: p.Ala161Thr; replaces alanine 161 with threonine.
Molecular consequence: missense variant.
Genome position (GRCh38, 1-based): chr1:241,512,041, C>T on the plus strand (G>A on the coding strand, the complement: FH is on the minus strand). VCF-style: chr1-241512041-C-T. GRCh37 (hg19) VCF-style: chr1-241675341-C-T.
Other names: short protein forms A161T.
Identifiers: ClinVar variation 825206 (VCV000825206.14), dbSNP rs1573885421, ClinGen allele CA345440008.